The following is an entry in ClinVar:

NM_001161352.2(KCNMA1):c.700A>T (p.Ile234Phe)

Gene: KCNMA1 (potassium calcium-activated channel subfamily M alpha 1; minus strand). Cytogenetic location: 10q22.3.
Variant type: single nucleotide variant.
Coding change: c.700A>T on transcript NM_001161352.2 (MANE Select); coding-DNA position 700, A replaced by T.
Protein change: p.Ile234Phe; replaces isoleucine 234 with phenylalanine.
Molecular consequence: missense variant.
Genome position (GRCh38, 1-based): chr10:77,183,529, T>A on the plus strand (A>T on the coding strand, the complement: KCNMA1 is on the minus strand). VCF-style: chr10-77183529-T-A. GRCh37 (hg19) VCF-style: chr10-78943287-T-A.
Other names: c.700A>T, p.Ile234Phe (NM_001014797.3, NM_001161353.2, NM_001271519.2 and 7 more transcripts); c.538A>T, p.Ile180Phe (NM_001271518.2); c.160A>T, p.Ile54Phe (NM_001322838.2); short protein forms I234F, I54F, I180F.
Identifiers: ClinVar variation 1385677 (VCV001385677.6), dbSNP rs2154124891, ClinGen allele CA377410508.

ClinVar aggregate classification (germline): Uncertain significance (1 of 4 stars; one submission).

Conditions:
Generalized epilepsy-paroxysmal dyskinesia syndrome (PNKD3). Also called: Paroxysmal nonkinesigenic dyskinesia, 3, with or without generalized epilepsy; Generalized epilepsy and paroxysmal dyskinesia. Identifiers: Orphanet 79137, MedGen C5574945, MONDO:0012276, OMIM 609446.

Submission:

Labcorp Genetics (formerly Invitae), Labcorp
Classification: Uncertain significance for Generalized epilepsy-paroxysmal dyskinesia syndrome. Last evaluated: 2023-07-07. Review status: criteria provided, single submitter. Criteria: Invitae Variant Classification Sherloc (09022015). Collection method: clinical testing. Allele origin: germline.
Comment: ClinVar contains an entry for this variant (Variation ID: 1385677). Advanced modeling of protein sequence and biophysical properties (such as structural, functional, and spatial information, amino acid conservation, physicochemical variation, residue mobility, and thermodynamic stability) performed at Invitae indicates that this missense variant is not expected to disrupt KCNMA1 protein function. In summary, the available evidence is currently insufficient to determine the role of this variant in disease. Therefore, it has been classified as a Variant of Uncertain Significance. This variant has not been reported in the literature in individuals affected with KCNMA1-related conditions. This sequence change replaces isoleucine, which is neutral and non-polar, with phenylalanine, which is neutral and non-polar, at codon 234 of the KCNMA1 protein (p.Ile234Phe). This variant is not present in population databases (gnomAD no frequency).